The following is an entry in ClinVar:

ClinVar aggregate classification (germline): Benign. Review status: criteria provided, single submitter (1 of 4 stars). 2 submissions from 2 submitters: Benign (1). 1 of the submissions does not count toward it. Last evaluated 2025-08-07.

Conditions:
DIS3L2-related disorder. Also called: DIS3L2-related condition.
Perlman syndrome (PRLMNS). Identifiers: Orphanet 2849, MedGen C0796113, MONDO:0009965, OMIM 267000.

Allele frequency attached by ClinVar (database versions not stated): gnomAD below 0.00001 and 0.00005; TOPMed below 0.00001; gnomAD exomes 0.00014 and 0.00043; 1000 Genomes Project 30x 0.00031; 1000 Genomes Project 0.00040; ExAC 0.00106.
gnomAD v4.1: 194 of 1,550,144 alleles (0.013%); highest among the groups gnomAD compares: South Asian, 0.22%; 2 homozygotes.

Submissions (2):

Labcorp Genetics (formerly Invitae), Labcorp
Classification: Benign for Perlman syndrome. Last evaluated: 2025-08-07. Review status: criteria provided, single submitter. Criteria: Invitae Variant Classification Sherloc (09022015). Collection method: clinical testing. Allele origin: germline.

PreventionGenetics, part of Exact Sciences
Classification: Likely benign for DIS3L2-related condition. Last evaluated: 2020-07-20. Review status: no assertion criteria provided. Collection method: clinical testing. Allele origin: germline. Not counted in ClinVar's aggregate classification.
Comment: This variant is classified as likely benign based on ACMG/AMP sequence variant interpretation guidelines (Richards et al. 2015 PMID: 25741868, with internal and published modifications).

NM_152383.5(DIS3L2):c.2496+9C>T

Gene: DIS3L2 (DIS3 like 3'-5' exoribonuclease 2; plus strand). Cytogenetic location: 2q37.1.
Variant type: single nucleotide variant.
Coding change: c.2496+9C>T on transcript NM_152383.5 (MANE Select); 9 bases into the intron after coding-DNA position 2496, C replaced by T.
Molecular consequence: intron variant. On other transcripts: non-coding transcript variant (1).
Genome position (GRCh38, 1-based): chr2:232,335,883, C>T. VCF-style: chr2-232335883-C-T. GRCh37 (hg19) VCF-style: chr2-233200593-C-T.
Other names: c.1582-7462C>T (NM_001257281.2).
Identifiers: ClinVar variation 767300 (VCV000767300.13), dbSNP rs573355704, ClinGen allele CA2164553.